The following is an entry in ClinVar:

ClinVar aggregate classification (germline): Uncertain significance (1 of 4 stars; one submission).

Submission:

Ambry Genetics
Classification: Uncertain significance. Last evaluated: 2025-12-22. Review status: criteria provided, single submitter. Criteria: Ambry Variant Classification Scheme 2023. Collection method: clinical testing. Allele origin: germline.
Comment: The p.R675G variant (also known as c.2023C>G), located in coding exon 20 of the KIF1B gene, results from a C to G substitution at nucleotide position 2023. The arginine at codon 675 is replaced by glycine, an amino acid with dissimilar properties. This amino acid position is conserved. In addition, this alteration is predicted to be tolerated by in silico analysis. Based on the available evidence, the clinical significance of this variant remains unclear.

NM_001365951.3(KIF1B):c.2161C>G (p.Arg721Gly)

Gene: KIF1B (kinesin family member 1B; plus strand). Cytogenetic location: 1p36.22.
Variant type: single nucleotide variant.
Coding change: c.2161C>G on transcript NM_001365951.3 (MANE Select); coding-DNA position 2161, C replaced by G.
Protein change: p.Arg721Gly; replaces arginine 721 with glycine.
Molecular consequence: missense variant.
Genome position (GRCh38, 1-based): chr1:10,320,088, C>G. VCF-style: chr1-10320088-C-G. GRCh37 (hg19) VCF-style: chr1-10380146-C-G.
Other names: c.2161C>G, p.Arg721Gly (NM_001365952.1); c.2023C>G, p.Arg675Gly (NM_015074.3); short protein forms R721G, R675G.
Identifiers: ClinVar variation 4841878 (VCV004841878.1).